The following is an entry in ClinVar:

NM_015466.4(PTPN23):c.751G>A (p.Val251Met)

Gene: PTPN23 (protein tyrosine phosphatase non-receptor type 23; plus strand). Cytogenetic location: 3p21.31.
Variant type: single nucleotide variant.
Coding change: c.751G>A on transcript NM_015466.4 (MANE Select); coding-DNA position 751, G replaced by A.
Protein change: p.Val251Met; replaces valine 251 with methionine.
Molecular consequence: missense variant.
Genome position (GRCh38, 1-based): chr3:47,406,604, G>A. VCF-style: chr3-47406604-G-A. GRCh37 (hg19) VCF-style: chr3-47448094-G-A.
Other names: c.373G>A, p.Val125Met (NM_001304482.2); short protein forms V251M, V125M.
Identifiers: ClinVar variation 2192609 (VCV002192609.3), dbSNP rs202048605, ClinGen allele CA2365442.

ClinVar aggregate classification (germline): Uncertain significance (1 of 4 stars; one submission).

Allele frequency attached by ClinVar (database versions not stated): gnomAD exomes 0.00005; TOPMed 0.00005; ExAC 0.00007; gnomAD 0.00007; ESP Exome Variant Server 0.00008.

Submission:

Labcorp Genetics (formerly Invitae), Labcorp
Classification: Uncertain significance. Last evaluated: 2025-10-23. Review status: criteria provided, single submitter. Criteria: Invitae Variant Classification Sherloc (09022015). Collection method: clinical testing. Allele origin: germline.
Comment: This sequence change replaces valine, which is neutral and non-polar, with methionine, which is neutral and non-polar, at codon 251 of the PTPN23 protein (p.Val251Met). This variant is present in population databases (rs202048605, gnomAD 0.04%). This variant has not been reported in the literature in individuals affected with PTPN23-related conditions. ClinVar contains an entry for this variant (Variation ID: 2192609). Experimental studies and prediction algorithms are not available or were not evaluated, and the functional significance of this variant is currently unknown. In summary, the available evidence is currently insufficient to determine the role of this variant in disease. Therefore, it has been classified as a Variant of Uncertain Significance.